The following is an entry in ClinVar:

ClinVar aggregate classification (germline): Uncertain significance (1 of 4 stars; one submission).

Submission:

Labcorp Genetics (formerly Invitae), Labcorp
Classification: Uncertain significance. Last evaluated: 2024-04-05. Review status: criteria provided, single submitter. Criteria: Invitae Variant Classification Sherloc (09022015). Collection method: clinical testing. Allele origin: germline.
Comment: This sequence change creates a premature translational stop signal (p.Tyr301Serfs*3) in the IL12RB2 gene. It is expected to result in an absent or disrupted protein product. However, the current clinical and genetic evidence is not sufficient to establish whether loss-of-function variants in IL12RB2 cause disease. This variant is not present in population databases (gnomAD no frequency). This variant has not been reported in the literature in individuals affected with IL12RB2-related conditions. Algorithms developed to predict the effect of sequence changes on RNA splicing suggest that this variant may disrupt the consensus splice site. In summary, the available evidence is currently insufficient to determine the role of this variant in disease. Therefore, it has been classified as a Variant of Uncertain Significance.

NM_001374259.2(IL12RB2):c.898_901dup (p.Tyr301fs)

Gene: IL12RB2 (interleukin 12 receptor subunit beta 2; plus strand). Cytogenetic location: 1p31.3.
Variant type: Duplication.
Coding change: c.898_901dup on transcript NM_001374259.2 (MANE Select); coding-DNA positions 898 to 901, 4 bases duplicated (CTTT; older notation c.898_901dupCTTT).
Protein change: p.Tyr301fs; shifts the reading frame from tyrosine 301.
Molecular consequence: frameshift variant. On other transcripts: non-coding transcript variant (2).
Genome position (GRCh38, 1-based): chr1:67,330,750-67,330,753, CTTT duplicated; duplicating any 4 consecutive bases within chr1:67,330,749-67,330,753 gives the same sequence; the c. name uses the placement nearest the transcript's 3' end. VCF-style (leftmost placement, unchanged base first): chr1-67330748-A-ATCTT. GRCh37 (hg19) VCF-style: chr1-67796431-A-ATCTT.
Other names: c.898_901dup, p.Tyr301fs (NM_001258214.1, NM_001258215.1, NM_001258216.1 and 2 more transcripts); short protein forms Y301fs.
Identifiers: ClinVar variation 2809804 (VCV002809804.3), dbSNP rs2525961967, ClinGen allele CA2739272592.